The following is an entry in ClinVar:

ClinVar aggregate classification (germline): Benign/Likely benign. Review status: criteria provided, multiple submitters, no conflicts (2 of 4 stars). 18 submissions from 18 submitters: Benign (9); Likely benign (5). 4 of the submissions do not count toward it. Last evaluated 2026-06-22.

Conditions:
Hereditary cancer-predisposing syndrome. Also called: Tumor predisposition; Hereditary neoplastic syndrome; Neoplastic Syndromes, Hereditary; Hereditary Cancer Syndrome. Identifiers: Orphanet 140162, MedGen C0027672, MeSH D009386, MONDO:0015356.
Bloom syndrome (BLM). Also called: Bloom-Torre-Machacek syndrome. Identifiers: Orphanet 125, MedGen C0005859, MONDO:0008876, OMIM 210900.

Allele frequency attached by ClinVar (database versions not stated): gnomAD exomes 0.00041 and 0.00102; ExAC 0.00129; ESP Exome Variant Server 0.00362; gnomAD 0.00400 and 0.00434; 1000 Genomes Project 0.00439; TOPMed 0.00463; 1000 Genomes Project 30x 0.00484.
gnomAD v4.1: 1,232 of 1,614,194 alleles (0.076%); highest among the groups gnomAD compares: African/African-American, 1.3%; 5 homozygotes.

Submissions (18):

Myriad Genetics, Inc.
Classification: Benign for Bloom syndrome. Last evaluated: 2026-06-22. Review status: criteria provided, single submitter. Criteria: Myriad Autosomal Dominant, Autosomal Recessive and X-Linked Classification Criteria (2023). Collection method: clinical testing. Allele origin: unknown.
Comment: This variant is considered benign. This variant has been observed at a population frequency that is significantly greater than expected given the associated disease prevalence and penetrance. Homozygosity for this variant has been confirmed in one or more individuals lacking clinical features consistent with gene-specific recessive disease, indicating that this variant is unlikely to be pathogenic.

Labcorp Genetics (formerly Invitae), Labcorp
Classification: Benign for Bloom syndrome. Last evaluated: 2026-02-02. Review status: criteria provided, single submitter. Criteria: Invitae Variant Classification Sherloc (09022015). Collection method: clinical testing. Allele origin: germline.

Dasa
Classification: Benign. Last evaluated: 2025-12-12. Review status: criteria provided, single submitter. Criteria: DASA Assertion Criteria. Collection method: clinical testing. Allele origin: germline.
Comment: NM_000057.4(BLM):c.410A>G (p.Lys137Arg) is a missense variant that results in the substitution of lysine with arginine. Population frequency is inconsistent with a disease-causing role for this variant. Computational prediction algorithms are consistent with a benign effect. Therefore, based on the currently available evidence, this variant is classified as benign.

CeGaT Center for Human Genetics Tuebingen
Classification: Likely benign. Last evaluated: 2025-11-01. Review status: criteria provided, single submitter. Criteria: CeGaT Center For Human Genetics Tuebingen Variant Classification Criteria Version 2. Collection method: clinical testing. Allele origin: germline. Affected: yes. Observed: 6 variant alleles.
Comment: BLM: BP4, BS1

Quest Diagnostics Nichols Institute San Juan Capistrano
Classification: Benign. Last evaluated: 2025-07-01. Review status: criteria provided, single submitter. Criteria: Quest Diagnostics criteria. Collection method: clinical testing. Allele origin: unknown.

Blueprint Genetics
Classification: Likely benign. Last evaluated: 2024-11-21. Review status: criteria provided, single submitter. Criteria: ACMG Guidelines, 2015. Collection method: clinical testing. Allele origin: germline.

ARUP Laboratories, Molecular Genetics and Genomics, ARUP Laboratories
Classification: Likely benign for Bloom syndrome. Last evaluated: 2024-05-01. Review status: criteria provided, single submitter. Criteria: ARUP Molecular Germline Variant Investigation Process 2024. Collection method: clinical testing. Allele origin: germline.

KCCC/NGS Laboratory, Kuwait Cancer Control Center
Classification: Benign for Bloom syndrome. Last evaluated: 2023-07-07. Review status: criteria provided, single submitter. Criteria: ACMG Guidelines, 2015. Collection method: clinical testing. Allele origin: germline. Affected: yes.

Women's Health and Genetics/Laboratory Corporation of America, LabCorp
Classification: Benign. Last evaluated: 2018-04-06. Review status: criteria provided, single submitter. Criteria: LabCorp Variant Classification Summary - May 2015. Collection method: clinical testing. Allele origin: germline.
Comment: Variant summary: BLM c.410A>G (p.Lys137Arg) results in a conservative amino acid change located in the Bloom syndrome protein, N-terminal domain of the encoded protein sequence. Five of five in-silico tools predict a benign effect of the variant on protein function. The variant allele was found at a frequency of 0.0014 in 277122 control chromosomes, predominantly at a frequency of 0.014 within the African subpopulation in the gnomAD database, including 2 homozygotes. The observed variant frequency within African control individuals in the gnomAD database is approximately 3.96 fold of the estimated maximal expected allele frequency for a pathogenic variant in BLM causing Bloom Syndrome phenotype (0.0035), strongly suggesting that the variant is a benign polymorphism found primarily in populations of African origin. To our knowledge, no occurrence of c.410A>G in individuals affected with Bloom Syndrome and no experimental evidence demonstrating its impact on protein function have been reported. Four clinical diagnostic laboratories have submitted clinical-significance assessments for this variant to ClinVar after 2014 without evidence for independent evaluation. All laboratories classified the variant as benign/likely benign. Based on the evidence outlined above, the variant was classified as benign.

Ambry Genetics
Classification: Benign for Hereditary cancer-predisposing syndrome. Last evaluated: 2018-03-20. Review status: criteria provided, single submitter. Criteria: Ambry Variant Classification Scheme 2023. Collection method: clinical testing. Allele origin: germline.

Center for Pediatric Genomic Medicine, Children's Mercy Hospital and Clinics
Classification: Likely benign. Last evaluated: 2016-05-23. Review status: criteria provided, single submitter. Criteria: ACMG Guidelines, 2015. Collection method: clinical testing. Allele origin: germline.
ClinVar note: Converted during submission from Likely Benign to Likely benign.

Eurofins Ntd Llc (ga)
Classification: Benign. Last evaluated: 2015-07-29. Review status: criteria provided, single submitter. Criteria: EGL Classification Definitions 2015. Collection method: clinical testing. Allele origin: germline.

GeneDx
Classification: Benign. Last evaluated: 2014-02-06. Review status: criteria provided, single submitter. Criteria: GeneDx Variant Classification (06012015). Collection method: clinical testing. Allele origin: germline. Affected: yes.
Comment: This variant is considered likely benign or benign based on one or more of the following criteria: it is a conservative change, it occurs at a poorly conserved position in the protein, it is predicted to be benign by multiple in silico algorithms, and/or has population frequency not consistent with disease.

Breakthrough Genomics
Classification: Likely benign. Review status: criteria provided, single submitter. Criteria: ACMG Guidelines, 2015. Collection method: not provided. Allele origin: germline. Inheritance: Autosomal recessive inheritance. Affected: yes.

Natera, Inc.
Classification: Benign for Bloom syndrome. Last evaluated: 2020-04-23. Review status: no assertion criteria provided. Collection method: clinical testing. Allele origin: germline. Not counted in ClinVar's aggregate classification.

ITMI
No classification provided. Condition: AllHighlyPenetrant. Last evaluated: 2013-09-19. Review status: no classification provided. Collection method: reference population. Allele origin: germline. Not counted in ClinVar's aggregate classification.
Comment: Please see associated publication for description of ethnicities

Clinical Genetics DNA and cytogenetics Diagnostics Lab, Erasmus MC, Erasmus Medical Center
Classification: Benign. Review status: no assertion criteria provided. Collection method: clinical testing. Allele origin: germline. Affected: yes. Study: VKGL Data-share Consensus. Not counted in ClinVar's aggregate classification.

Genome Diagnostics Laboratory, Amsterdam University Medical Center
Classification: Benign. Review status: no assertion criteria provided. Collection method: clinical testing. Allele origin: germline. Affected: yes. Study: VKGL Data-share Consensus. Not counted in ClinVar's aggregate classification.

Literature cited by the submitters: PubMed 24728327 (cited by Quest Diagnostics Nichols Institute San Juan Capistrano and ITMI).

NM_000057.4(BLM):c.410A>G (p.Lys137Arg)

Gene: BLM (BLM RecQ like helicase; plus strand). Cytogenetic location: 15q26.1.
Variant type: single nucleotide variant.
Coding change: c.410A>G on transcript NM_000057.4 (MANE Select); coding-DNA position 410, A replaced by G.
Protein change: p.Lys137Arg; replaces lysine 137 with arginine.
Molecular consequence: missense variant. On other transcripts: 5 prime UTR variant (1).
Genome position (GRCh38, 1-based): chr15:90,749,678, A>G. VCF-style: chr15-90749678-A-G. GRCh37 (hg19) VCF-style: chr15-91292908-A-G.
Other names: p.K137R:AAG>AGG; c.410A>G, p.Lys137Arg (NM_001287246.2, NM_001287247.2); c.-882A>G (NM_001287248.2); c.410A>G (LRG_20t1); short protein forms K137R.
Identifiers: ClinVar variation 133707 (VCV000133707.46), dbSNP rs28384988, ClinGen allele CA157412.
Genomic context (GRCh38, chr15:90,749,678, plus strand): 5'-AAGTTGTATGCACTACCCAAAACACACCAACTGTAAAGAAATCCCGGGATACTGCTCTCA[A>G]GAAATTAGAATTTAGTTCTTCACCAGATTCTTTAAGTACCATCAATGATTGGGATGATAT-3'
Protein context (NP_000048.1, residues 127-147): TVKKSRDTAL[Lys137Arg]KLEFSSSPDS